The following continues an entry in ClinVar:

NM_000018.4(ACADVL):c.1349G>A (p.Arg450His)

Gene: ACADVL. ClinVar aggregate classification (germline): Likely pathogenic. Likely pathogenic (1).

Submissions 10 to 18 of 18:

Women's Health and Genetics/Laboratory Corporation of America, LabCorp
Classification: Pathogenic for Very long chain acyl-CoA dehydrogenase deficiency. Last evaluated: 2023-12-07. Review status: criteria provided, single submitter. Criteria: LabCorp Variant Classification Summary - May 2015. Collection method: clinical testing. Allele origin: germline. Not counted in ClinVar's aggregate classification.
Comment: Variant summary: ACADVL c.1349G>A (p.Arg450His) results in a non-conservative amino acid change located in the Acyl-CoA dehydrogenase/oxidase, C-terminal domain (IPR009075) of the encoded protein sequence. Five of five in-silico tools predict a damaging effect of the variant on protein function. The variant allele was found at a frequency of 2.4e-05 in 251342 control chromosomes (gnomAD). c.1349G>A has been reported in the literature in multiple individuals affected with Very Long Chain Acyl-CoA Dehydrogenase Deficiency (Fukao_2001, Osawa_2022), and some were compound heterozygous with other (likely) pathogenic variants. These data indicate that the variant is very likely to be associated with disease. At least one publication reports experimental evidence evaluating an impact on protein function, finding that the variant results in <10% of normal activity (Fukao_2001). Seven submitters, including a ClinGen expert panel, have cited clinical-significance assessments for this variant to ClinVar after 2014. All submitters classified the variant as pathogenic/likely pathogenic. Based on the evidence outlined above, the variant was classified as pathogenic.

Revvity Omics, Revvity
Classification: Pathogenic for Very long chain acyl-CoA dehydrogenase deficiency. Last evaluated: 2023-05-09. Review status: criteria provided, single submitter. Criteria: ACMG Guidelines, 2015. Collection method: clinical testing. Allele origin: germline. Not counted in ClinVar's aggregate classification.

Wong Mito Lab, Molecular and Human Genetics, Baylor College of Medicine
Classification: Pathogenic for Very long chain acyl-CoA dehydrogenase deficiency. Last evaluated: 2019-11-01. Review status: criteria provided, single submitter. Criteria: ACMG Guidelines, 2015. Collection method: clinical testing. Allele origin: germline. Not counted in ClinVar's aggregate classification.
Comment: The NM_000018.3:c.1349G>A (NP_000009.1:p.Arg450His) [GRCH38: NC_000017.11:g.7223984G>A] variant in ACADVL gene is interpretated to be Pathogenic based on ACMG guidelines (PMID: 25741868). This variant has been reported in PMID: 9973285; 20060901. This variant meets the following evidence codes reported in the ACMG guidelines: PS1, PS3

GeneDx
Classification: Pathogenic. Last evaluated: 2019-07-19. Review status: criteria provided, single submitter. Criteria: GeneDx Variant Classification Process June 2021. Collection method: clinical testing. Allele origin: germline. Affected: yes. Not counted in ClinVar's aggregate classification.
Comment: In silico analysis, which includes protein predictors and evolutionary conservation, supports a deleterious effect; This variant is associated with the following publications: (PMID: 32581362, 31130284, 30840296, 11158518, 20060901, 24801231, 29519241, 28980192, 29552494, 27246109, 25652019, 9973285, 9546340, 15210884)

ARUP Laboratories, Molecular Genetics and Genomics, ARUP Laboratories
Classification: Pathogenic. Last evaluated: 2018-04-23. Review status: criteria provided, single submitter. Criteria: ARUP Molecular Germline Variant Investigation Process. Collection method: clinical testing. Allele origin: germline. Not counted in ClinVar's aggregate classification.
Comment: The ACADVL c.1349G>A; p.Arg450His variant (rs118204016), also known as Arg410His for traditional nomenclature, is reported multiple times in the literature in association with VLCAD deficiency and is reported both in the homozygous and compound heterozygous states in affected individuals (Andresen 1999, Fukao 2001, Gobin-Limballe 2010, Kang 2018, Ohashi 2004, Smelt 1998, Zhang 2014). Additionally, functional analyses of the variant protein show decreased expression and enzymatic activity (Fukao 2001, Smelt 1998). This variant is reported in ClinVar (Variation ID: 1634) and found in the general population with a low overall allele frequency of 0.003% (8/277108 alleles) in the Genome Aggregation Database. The arginine at codon 450 is highly conserved, and computational analyses (SIFT, PolyPhen-2) predict that this variant is deleterious. Based on available information, this variant is considered to be pathogenic. REFERENCES Andresen BS et al. Clear correlation of genotype with disease phenotype in very-long-chain acyl-CoA dehydrogenase deficiency. Am J Hum Genet. 1999 Feb;64(2):479-94. Fukao T et al. Myopathic form of very-long chain acyl-coa dehydrogenase deficiency: evidence for temperature-sensitive mild mutations in both mutant alleles in a Japanese girl. Pediatr Res. 2001 Feb;49(2):227-31. Gobin-Limballe S et al. Compared effects of missense mutations in Very-Long-Chain Acyl-CoA Dehydrogenase deficiency: Combined analysis by structural, functional and pharmacological approaches. Biochim Biophys Acta. 2010 May;1802(5):478-84. Kang E et al. Clinical and genetic characteristics of patients with fatty acid oxidation disorders identified by newborn screening. BMC Pediatr. 2018 Mar 8;18(1):103. Ohashi Y et al. A new diagnostic test for VLCAD deficiency using immunohistochemistry. Neurology. 2004 Jun 22;62(12):2209-13. Smelt AH et al. Very long chain acyl-coenzyme A dehydrogenase deficiency with adult onset. Ann Neurol. 1998 Apr;43(4):540-4. Zhang RN et al. Clinical features and mutations in seven Chinese patients with very long chain acyl-CoA dehydrogenase deficiency. World J Pediatr. 2014 May;10(2):119-25.

Eurofins Ntd Llc (ga)
Classification: Likely pathogenic. Last evaluated: 2015-01-27. Review status: criteria provided, single submitter. Criteria: EGL Classification Definitions 2015. Collection method: clinical testing. Allele origin: germline. Observed: 2 variant alleles, 2 heterozygotes. Not counted in ClinVar's aggregate classification.

Juno Genomics, Hangzhou Juno Genomics, Inc
Classification: Pathogenic for Very long chain acyl-CoA dehydrogenase deficiency. Review status: criteria provided, single submitter. Criteria: ACMG Guidelines, 2015. Collection method: clinical testing. Allele origin: germline. Affected: yes. Not counted in ClinVar's aggregate classification.
Comment: Absent from controls (or at extremely low frequency if recessive) in Genome Aggregation Database, Exome Sequencing Project, 1000 Genomes Project, or Exome Aggregation Consortium.;Multiple lines of computational evidence support a deleterious effect on the gene or gene product (conservation, evolutionary, splicing impact, etc).;For recessive disorders, detected in trans with a pathogenic variant.;Patient's phenotype or family history is highly specific for a disease with a single genetic etiology.

OMIM
Classification: Pathogenic for VLCAD DEFICIENCY. Last evaluated: 2001-02-01. Review status: no assertion criteria provided. Collection method: literature only. Allele origin: germline. Not counted in ClinVar's aggregate classification.

NIHR Bioresource Rare Diseases, University of Cambridge
Classification: Pathogenic for Abnormal circulating enzyme concentration; Rhabdomyolysis. Review status: no assertion criteria provided. Collection method: research. Allele origin: unknown. Affected: yes. Observed: 1 variant allele. Not counted in ClinVar's aggregate classification.

Literature cited by the submitters: PubMed 11158518 (cited by 7 submitters); PubMed 15210884 (cited by 3 submitters); PubMed 31794763 (cited by Natera, Inc.); PubMed 9546340 (cited by 5 submitters); PubMed 24801231 (cited by Labcorp Genetics (formerly Invitae), Labcorp); PubMed 18670371 (cited by Myriad Genetics, Inc.); PubMed 23700290 (cited by Myriad Genetics, Inc.); PubMed 29519241 (cited by Myriad Genetics, Inc.); PubMed 30840296 (cited by Myriad Genetics, Inc.); PubMed 9973285 (cited by Laboratory for Molecular Medicine, Mass General Brigham Personalized Medicine and Wong Mito Lab, Molecular and Human Genetics, Baylor College of Medicine); PubMed 35400565 (cited by Laboratory for Molecular Medicine, Mass General Brigham Personalized Medicine and Women's Health and Genetics/Laboratory Corporation of America, LabCorp); PubMed 20060901 (cited by Wong Mito Lab, Molecular and Human Genetics, Baylor College of Medicine and Eurofins Ntd Llc (ga)); PubMed 32581362 (cited by NIHR Bioresource Rare Diseases, University of Cambridge).